The following is an entry in ClinVar:

NC_012920.1(MT-ND5):m.13105A>G

Gene: MT-ND5 (mitochondrially encoded NADH dehydrogenase 5; plus strand).
Variant type: single nucleotide variant.
Genome position: chrM-13105-A-G.
Identifiers: ClinVar variation 693519 (VCV000693519.2), dbSNP rs2853501, ClinGen allele CA337099628.
Genomic context (GRCh38, chrMT:13,105, plus strand): 5'-ATAGAAGGCCCCACCCCAGTCTCAGCCCTACTCCACTCAAGCACTATAGTTGTAGCAGGA[A>G]TCTTCTTACTCATCCGCTTCCACCCCCTAGCAGAAAATAGCCCACTAATCCAAACTCTAA-3'

ClinVar aggregate classification (germline): Benign/Likely benign. Review status: criteria provided, multiple submitters, no conflicts (2 of 4 stars). 2 submissions from 2 submitters: Benign (1); Likely benign (1). Last evaluated 2025-02-16.

Conditions:
Leigh syndrome (NULS). Also called: Leigh's necrotizing encephalopathy; Leigh's disease; Leigh Syndrome (mtDNA deletion); Leigh Disease; Subacute necrotizing encephalopathy; Necrotizing encephalopathy infantile subacute of Leigh. Identifiers: Orphanet 506, MedGen C2931891, MONDO:0009723, OMIM 256000.

Submissions (2):

Laboratory of Genetics, Children's Clinical University Hospital Latvia
Classification: Likely benign. Last evaluated: 2025-02-16. Review status: criteria provided, single submitter. Criteria: ACMG Guidelines, 2015. Collection method: clinical testing. Allele origin: germline. Affected: yes.

Wong Mito Lab, Molecular and Human Genetics, Baylor College of Medicine
Classification: Benign for Leigh syndrome. Last evaluated: 2019-10-17. Review status: criteria provided, single submitter. Criteria: Modified ACMG Guidelines (Unpublished). Collection method: clinical testing. Allele origin: germline.
Comment: The NC_012920.1:m.13105A>G (YP_003024036.1:p.Ile257Val) variant in MTND5 gene is interpretated to be a Benign variant based on the modified ACMG guidelines (unpublished). This variant meets the following evidence codes: BA1